The following is an entry in ClinVar:

NM_001142800.2(EYS):c.2641G>A (p.Glu881Lys)

Gene: EYS (EGF-like photoreceptor maintenance factor; minus strand). Cytogenetic location: 6q12.
Variant type: single nucleotide variant.
Coding change: c.2641G>A on transcript NM_001142800.2 (MANE Select); coding-DNA position 2641, G replaced by A.
Protein change: p.Glu881Lys; replaces glutamic acid 881 with lysine.
Molecular consequence: missense variant.
Genome position (GRCh38, 1-based): chr6:64,912,484, C>T on the plus strand (G>A on the coding strand, the complement: EYS is on the minus strand). VCF-style: chr6-64912484-C-T. GRCh37 (hg19) VCF-style: chr6-65622377-C-T.
Other names: c.2641G>A, p.Glu881Lys (NM_001292009.2); short protein forms E881K.
Identifiers: ClinVar variation 866520 (VCV000866520.5), dbSNP rs1768029780, ClinGen allele CA364786059.

ClinVar aggregate classification (germline): Uncertain significance. Review status: criteria provided, multiple submitters, no conflicts (2 of 4 stars). 3 submissions from 3 submitters: Uncertain significance (2). 1 of the submissions does not count toward it. Last evaluated 2022-02-22.

Conditions:
Autosomal recessive retinitis pigmentosa. Identifiers: MedGen C0339526.

Allele frequency attached by ClinVar (database versions not stated): gnomAD exomes below 0.00001.
gnomAD v4.1: 1 of 1,550,614 alleles (0.000064%); highest among the groups gnomAD compares: African/African-American, 0.0014%; no homozygotes.

Submissions (3):

Labcorp Genetics (formerly Invitae), Labcorp
Classification: Uncertain significance. Last evaluated: 2022-02-22. Review status: criteria provided, single submitter. Criteria: Invitae Variant Classification Sherloc (09022015). Collection method: clinical testing. Allele origin: germline.
Comment: This sequence change affects codon 881 of the EYS mRNA. It is a 'silent' change, meaning that it does not change the encoded amino acid sequence of the EYS protein. This variant also falls at the last nucleotide of exon 16, which is part of the consensus splice site for this exon. This variant is not present in population databases (gnomAD no frequency). This variant has not been reported in the literature in individuals affected with EYS-related conditions. ClinVar contains an entry for this variant (Variation ID: 866520). Algorithms developed to predict the effect of missense changes on protein structure and function (SIFT, PolyPhen-2, Align-GVGD) all suggest that this variant is likely to be tolerated. Variants that disrupt the consensus splice site are a relatively common cause of aberrant splicing (PMID: 17576681, 9536098). Algorithms developed to predict the effect of sequence changes on RNA splicing suggest that this variant may disrupt the consensus splice site. In summary, the available evidence is currently insufficient to determine the role of this variant in disease. Therefore, it has been classified as a Variant of Uncertain Significance.

Blueprint Genetics
Classification: Uncertain significance. Last evaluated: 2018-12-31. Review status: criteria provided, single submitter. Criteria: ACMG Guidelines, 2015. Collection method: clinical testing. Allele origin: germline.

Natera, Inc.
Classification: Uncertain significance for Autosomal recessive retinitis pigmentosa. Last evaluated: 2020-08-14. Review status: no assertion criteria provided. Collection method: clinical testing. Allele origin: germline. Not counted in ClinVar's aggregate classification.

Literature cited by the submitters: PubMed 17576681 (cited by Labcorp Genetics (formerly Invitae), Labcorp); PubMed 9536098 (cited by Labcorp Genetics (formerly Invitae), Labcorp).